The following is an entry in ClinVar:

NM_020780.2(DISP3):c.2997G>A (p.Pro999=)

Gene: DISP3 (dispatched RND transporter family member 3; plus strand). Cytogenetic location: 1p36.22.
Variant type: single nucleotide variant.
Coding change: c.2997G>A on transcript NM_020780.2 (MANE Select); coding-DNA position 2997, G replaced by A.
Protein change: p.Pro999=; no amino-acid change (proline 999 retained).
Molecular consequence: synonymous variant.
Genome position (GRCh38, 1-based): chr1:11,529,854, G>A. VCF-style: chr1-11529854-G-A. GRCh37 (hg19) VCF-style: chr1-11589911-G-A.
Identifiers: ClinVar variation 3059972 (VCV003059972.2), dbSNP rs2076468, ClinGen allele CA592194.

ClinVar aggregate classification (germline): Benign (0 of 4 stars; one submission).

Conditions:
DISP3-related disorder. Also called: DISP3-related condition.

Allele frequency attached by ClinVar (database versions not stated): ESP Exome Variant Server 0.12428; TOPMed 0.13217; gnomAD 0.13378; ExAC 0.15540; 1000 Genomes Project 30x 0.17333; 1000 Genomes Project 0.18231.
gnomAD v4.1: 237,495 of 1,613,910 alleles (15%); highest among the groups gnomAD compares: East Asian, 43%; 19,961 homozygotes.

Submission:

PreventionGenetics, part of Exact Sciences
Classification: Benign for DISP3-related condition. Last evaluated: 2019-10-21. Review status: no assertion criteria provided. Collection method: clinical testing. Allele origin: germline.
Comment: This variant is classified as benign based on ACMG/AMP sequence variant interpretation guidelines (Richards et al. 2015 PMID: 25741868, with internal and published modifications).